The following is an entry in ClinVar:

NM_001145809.2(MYH14):c.451C>T (p.Leu151Phe)

Gene: MYH14 (myosin heavy chain 14; plus strand). Cytogenetic location: 19q13.33.
Variant type: single nucleotide variant.
Coding change: c.451C>T on transcript NM_001145809.2 (MANE Select); coding-DNA position 451, C replaced by T.
Protein change: p.Leu151Phe; replaces leucine 151 with phenylalanine.
Molecular consequence: missense variant.
Genome position (GRCh38, 1-based): chr19:50,217,660, C>T. VCF-style: chr19-50217660-C-T. GRCh37 (hg19) VCF-style: chr19-50720917-C-T.
Other names: c.451C>T, p.Leu151Phe (NM_001077186.2, NM_024729.4); short protein forms L151F.
Identifiers: ClinVar variation 3603549 (VCV003603549.2).

ClinVar aggregate classification (germline): Uncertain significance (1 of 4 stars; one submission).

Submission:

Labcorp Genetics (formerly Invitae), Labcorp
Classification: Uncertain significance. Last evaluated: 2024-09-13. Review status: criteria provided, single submitter. Criteria: Invitae Variant Classification Sherloc (09022015). Collection method: clinical testing. Allele origin: germline.
Comment: This sequence change replaces leucine, which is neutral and non-polar, with phenylalanine, which is neutral and non-polar, at codon 151 of the MYH14 protein (p.Leu151Phe). This variant is not present in population databases (gnomAD no frequency). This variant has not been reported in the literature in individuals affected with MYH14-related conditions. Invitae Evidence Modeling of protein sequence and biophysical properties (such as structural, functional, and spatial information, amino acid conservation, physicochemical variation, residue mobility, and thermodynamic stability) has been performed for this missense variant. However, the output from this modeling did not meet the statistical confidence thresholds required to predict the impact of this variant on MYH14 protein function. In summary, the available evidence is currently insufficient to determine the role of this variant in disease. Therefore, it has been classified as a Variant of Uncertain Significance.